The following is an entry in ClinVar:

ClinVar aggregate classification (germline): Uncertain significance (1 of 4 stars; one submission).

Conditions:
Diarrhea 10, protein-losing enteropathy type. Identifiers: MedGen C4748579, MONDO:0032586, OMIM 618183.

gnomAD v4.1: 1 of 1,613,182 alleles (0.000062%); highest among the groups gnomAD compares: Non-Finnish European, 0.000085%; no homozygotes.

Submission:

Laboratorio de Genetica e Diagnostico Molecular, Hospital Israelita Albert Einstein
Classification: Uncertain significance for Diarrhea 10, protein-losing enteropathy type. Last evaluated: 2026-01-29. Review status: criteria provided, single submitter. Criteria: ACMG Guidelines, 2015. Collection method: clinical testing. Allele origin: germline. Affected: yes.
Comment: ACMG classification criteria: PM2 supporting, BP4 supporting

NM_031310.3(PLVAP):c.482T>C (p.Leu161Pro)

Gene: PLVAP (plasmalemma vesicle associated protein; minus strand). Cytogenetic location: 19p13.11.
Variant type: single nucleotide variant.
Coding change: c.482T>C on transcript NM_031310.3 (MANE Select); coding-DNA position 482, T replaced by C.
Protein change: p.Leu161Pro; replaces leucine 161 with proline.
Molecular consequence: missense variant.
Genome position (GRCh38, 1-based): chr19:17,365,983, A>G on the plus strand (T>C on the coding strand, the complement: PLVAP is on the minus strand). VCF-style: chr19-17365983-A-G. GRCh37 (hg19) VCF-style: chr19-17476792-A-G.
Other names: short protein forms L161P.
Identifiers: ClinVar variation 4846894 (VCV004846894.1).